The following is an entry in ClinVar:

ClinVar aggregate classification (germline): Uncertain significance (1 of 4 stars; one submission).

Conditions:
Ataxia-telangiectasia syndrome (AT). Also called: Ataxia telangiectasia (A-T); Cerebello-oculocutaneous telangiectasia; Immunodeficiency with ataxia telangiectasia; AT, COMPLEMENTATION GROUP C; ATAXIA-TELANGIECTASIA, COMPLEMENTATION GROUP A; ATAXIA-TELANGIECTASIA, FRESNO VARIANT. Identifiers: Orphanet 100, MedGen C0004135, MONDO:0008840, OMIM 208900.

Submission:

Labcorp Genetics (formerly Invitae), Labcorp
Classification: Uncertain significance for Ataxia-telangiectasia syndrome. Last evaluated: 2019-12-27. Review status: criteria provided, single submitter. Criteria: Invitae Variant Classification Sherloc (09022015). Collection method: clinical testing. Allele origin: germline.
Comment: In summary, the available evidence is currently insufficient to determine the role of this variant in disease. Therefore, it has been classified as a Variant of Uncertain Significance. Nucleotide substitutions within the consensus splice site are a relatively common cause of aberrant splicing (PMID: 17576681, 9536098). Algorithms developed to predict the effect of sequence changes on RNA splicing suggest that this variant may create or strengthen a splice site, but this prediction has not been confirmed by published transcriptional studies. This variant has not been reported in the literature in individuals with ATM-related conditions. This variant is not present in population databases (ExAC no frequency). This sequence change falls in intron 17 of the ATM gene. It does not directly change the encoded amino acid sequence of the ATM protein, but it affects a nucleotide within the consensus splice site of the intron.

Literature cited by the submitters: PubMed 17576681; PubMed 9536098.

NM_000051.4(ATM):c.2638_2638+7dup

Gene: ATM (ATM serine/threonine kinase; plus strand). Cytogenetic location: 11q22.3.
Variant type: Duplication.
Coding change: c.2638_2638+7dup on transcript NM_000051.4 (MANE Select); coding-DNA position 2638 through 7 bases into the intron after coding-DNA position 2638, 8 bases duplicated (GGTAAATA; older notation c.2638_2638+7dupGGTAAATA).
Molecular consequence: splice donor variant.
Genome position (GRCh38, 1-based): chr11:108,267,342-108,267,349, GGTAAATA duplicated; duplicating any 8 consecutive bases within chr11:108,267,339-108,267,349 gives the same sequence; the c. name uses the placement nearest the transcript's 3' end. VCF-style (leftmost placement, unchanged base first): chr11-108267338-C-CATAGGTAA. GRCh37 (hg19) VCF-style: chr11-108138065-C-CATAGGTAA.
Other names: c.2638_2638+7dup (NM_001351834.2).
Identifiers: ClinVar variation 860530 (VCV000860530.10), dbSNP rs2081313995, ClinGen allele CA916079932.